The following is an entry in ClinVar:

ClinVar aggregate classification (germline): Likely benign. Review status: criteria provided, multiple submitters, no conflicts (2 of 4 stars). 4 submissions from 4 submitters: Likely benign (4). Last evaluated 2026-06-16.

Conditions:
OBSL1-related disorder. Also called: OBSL1-related condition.

Allele frequency attached by ClinVar (database versions not stated): ExAC 0.00003; gnomAD exomes 0.00003 and 0.00004; ESP Exome Variant Server 0.00008; gnomAD 0.00014 and 0.00015; TOPMed 0.00017.
gnomAD v4.1: 71 of 1,613,968 alleles (0.0044%); highest among the groups gnomAD compares: African/African-American, 0.065%; 1 homozygote.

Submissions (4):

Women's Health and Genetics/Laboratory Corporation of America, LabCorp
Classification: Likely benign. Last evaluated: 2026-06-16. Review status: criteria provided, single submitter. Criteria: LabCorp Variant Classification Summary - May 2015. Collection method: clinical testing. Allele origin: germline.

PreventionGenetics, part of Exact Sciences
Classification: Likely benign for OBSL1-related condition. Last evaluated: 2026-05-15. Review status: criteria provided, single submitter. Criteria: ACMG Guidelines, 2015. Collection method: clinical testing. Allele origin: germline.
Comment: This variant is classified as likely benign based on ACMG/AMP sequence variant interpretation guidelines (Richards et al. 2015 PMID: 25741868, with internal and published modifications).

Labcorp Genetics (formerly Invitae), Labcorp
Classification: Likely benign. Last evaluated: 2025-07-27. Review status: criteria provided, single submitter. Criteria: Invitae Variant Classification Sherloc (09022015). Collection method: clinical testing. Allele origin: germline.

Blueprint Genetics
Classification: Likely benign. Last evaluated: 2023-12-27. Review status: criteria provided, single submitter. Criteria: ACMG Guidelines, 2015. Collection method: clinical testing. Allele origin: germline.

NM_015311.3(OBSL1):c.2541G>A (p.Val847=)

Gene: OBSL1 (obscurin like cytoskeletal adaptor 1; minus strand). Cytogenetic location: 2q35.
Variant type: single nucleotide variant.
Coding change: c.2541G>A on transcript NM_015311.3 (MANE Select); coding-DNA position 2541, G replaced by A.
Protein change: p.Val847=; no amino-acid change (valine 847 retained).
Molecular consequence: synonymous variant.
Genome position (GRCh38, 1-based): chr2:219,563,494, C>T on the plus strand (G>A on the coding strand, the complement: OBSL1 is on the minus strand). VCF-style: chr2-219563494-C-T. GRCh37 (hg19) VCF-style: chr2-220428216-C-T.
Other names: c.2541G>A, p.Val847= (NM_001173408.2, NM_001173431.2).
Identifiers: ClinVar variation 728282 (VCV000728282.9), dbSNP rs368328947, ClinGen allele CA2131188.